The following is an entry in ClinVar:

NM_000059.4(BRCA2):c.1356A>C (p.Leu452=)

Gene: BRCA2 (BRCA2 DNA repair associated; plus strand). Cytogenetic location: 13q13.1.
Variant type: single nucleotide variant.
Coding change: c.1356A>C on transcript NM_000059.4 (MANE Select); coding-DNA position 1356, A replaced by C.
Protein change: p.Leu452=; no amino-acid change (leucine 452 retained).
Molecular consequence: synonymous variant.
Genome position (GRCh38, 1-based): chr13:32,332,834, A>C. VCF-style: chr13-32332834-A-C. GRCh37 (hg19) VCF-style: chr13-32906971-A-C.
Identifiers: ClinVar variation 506337 (VCV000506337.2), dbSNP rs1555281854, ClinGen allele CA483436771.

ClinVar aggregate classification (germline): Likely benign. Review status: criteria provided, multiple submitters, no conflicts (2 of 4 stars). 2 submissions from 2 submitters: Likely benign (2). Last evaluated 2025-07-10.

Conditions:
Hereditary cancer-predisposing syndrome. Also called: Neoplastic Syndromes, Hereditary; Hereditary Cancer Syndrome; Tumor predisposition; Hereditary neoplastic syndrome. Identifiers: Orphanet 140162, MedGen C0027672, MeSH D009386, MONDO:0015356.

Submissions (2):

Ambry Genetics
Classification: Likely benign for Hereditary cancer-predisposing syndrome. Last evaluated: 2025-07-10. Review status: criteria provided, single submitter. Criteria: Ambry Variant Classification Scheme 2023. Collection method: clinical testing. Allele origin: germline.

GeneDx
Classification: Likely benign. Last evaluated: 2017-03-13. Review status: criteria provided, single submitter. Criteria: GeneDx Variant Classification (06012015). Collection method: clinical testing. Allele origin: germline. Affected: yes.
Comment: This variant is considered likely benign or benign based on one or more of the following criteria: it is a conservative change, it occurs at a poorly conserved position in the protein, it is predicted to be benign by multiple in silico algorithms, and/or has population frequency not consistent with disease.